The following is an entry in ClinVar:

ClinVar aggregate classification (germline): Uncertain significance (1 of 4 stars; one submission).

Conditions:
Neurofibromatosis, type 1 (NF1). Also called: VON RECKLINGHAUSEN DISEASE; Peripheral type neurofibromatosis; NEUROFIBROMATOSIS, TYPE I, SOMATIC; Neurofibromatosis, type I. Identifiers: Orphanet 636, MedGen C0027831, MONDO:0018975, OMIM 162200. Disease mechanism: loss of function.

Submission:

Labcorp Genetics (formerly Invitae), Labcorp
Classification: Uncertain significance for Neurofibromatosis, type 1. Last evaluated: 2024-08-26. Review status: criteria provided, single submitter. Criteria: Invitae Variant Classification Sherloc (09022015). Collection method: clinical testing. Allele origin: germline.
Comment: This sequence change replaces valine, which is neutral and non-polar, with leucine, which is neutral and non-polar, at codon 1533 of the NF1 protein (p.Val1533Leu). This variant is not present in population databases (gnomAD no frequency). This variant has not been reported in the literature in individuals affected with NF1-related conditions. Invitae Evidence Modeling of protein sequence and biophysical properties (such as structural, functional, and spatial information, amino acid conservation, physicochemical variation, residue mobility, and thermodynamic stability) indicates that this missense variant is not expected to disrupt NF1 protein function with a negative predictive value of 95%. In summary, the available evidence is currently insufficient to determine the role of this variant in disease. Therefore, it has been classified as a Variant of Uncertain Significance.

NM_001042492.3(NF1):c.4660G>C (p.Val1554Leu)

Gene: NF1 (neurofibromin 1; plus strand). Cytogenetic location: 17q11.2.
Variant type: single nucleotide variant.
Coding change: c.4660G>C on transcript NM_001042492.3 (MANE Select); coding-DNA position 4660, G replaced by C.
Protein change: p.Val1554Leu; replaces valine 1554 with leucine.
Molecular consequence: missense variant.
Genome position (GRCh38, 1-based): chr17:31,261,793, G>C. VCF-style: chr17-31261793-G-C. GRCh37 (hg19) VCF-style: chr17-29588811-G-C.
Other names: c.4597G>C, p.Val1533Leu (NM_000267.4); short protein forms V1554L, V1533L.
Identifiers: ClinVar variation 3634561 (VCV003634561.2).
Genomic context (GRCh38, chr17:31,261,793, plus strand): 5'-CGACCTTTTGATAAGATGGCAACACTTCTTGCATACCTGGGTCCTCCAGAGCACAAACCT[G>C]TGGCAGATACACACTGGTCCAGCCTTAACCTTACCAGTTCAAAGTTTGAGGAATTTATGA-3'
Protein context (NP_001035957.1, residues 1544-1564): AYLGPPEHKP[Val1554Leu]ADTHWSSLNL